The following is an entry in ClinVar:

NM_001204.7(BMPR2):c.1780G>C (p.Ala594Pro)

Gene: BMPR2 (bone morphogenetic protein receptor type 2; plus strand). Cytogenetic location: 2q33.2.
Variant type: single nucleotide variant.
Coding change: c.1780G>C on transcript NM_001204.7 (MANE Select); coding-DNA position 1780, G replaced by C.
Protein change: p.Ala594Pro; replaces alanine 594 with proline.
Molecular consequence: missense variant.
Genome position (GRCh38, 1-based): chr2:202,555,445, G>C. VCF-style: chr2-202555445-G-C. GRCh37 (hg19) VCF-style: chr2-203420168-G-C.
Other names: short protein forms A594P.
Identifiers: ClinVar variation 4597339 (VCV004597339.1).

ClinVar aggregate classification (germline): Uncertain significance (1 of 4 stars; one submission).

Conditions:
Inborn genetic diseases. Identifiers: MedGen C0950123, MeSH D030342.

Submission:

Ambry Genetics
Classification: Uncertain significance for Inborn genetic diseases. Last evaluated: 2025-10-15. Review status: criteria provided, single submitter. Criteria: Ambry Variant Classification Scheme 2023. Collection method: clinical testing. Allele origin: germline.
Comment: The p.A594P variant (also known as c.1780G>C), located in coding exon 12 of the BMPR2 gene, results from a G to C substitution at nucleotide position 1780. The alanine at codon 594 is replaced by proline, an amino acid with highly similar properties. This amino acid position is conserved. In addition, the in silico prediction for this alteration is inconclusive. Based on the available evidence, the clinical significance of this variant remains unclear.